The following is an entry in ClinVar:

ClinVar aggregate classification (germline): Uncertain significance (1 of 4 stars; one submission).

Conditions:
Ehlers-Danlos syndrome, cardiac valvular type. Identifiers: Orphanet 230851, MedGen C4303789, MONDO:0009159, OMIM 225320.
Osteogenesis imperfecta, perinatal lethal (OI2). Also called: OSTEOGENESIS IMPERFECTA, TYPE II; Osteogenesis imperfecta, dominant perinatal lethal; OI, TYPE II; OSTEOGENESIS IMPERFECTA CONGENITA; Osteogenesis imperfecta type 2; VROLIK TYPE OF OSTEOGENESIS IMPERFECTA. Identifiers: Orphanet 216804, MedGen C0268358, MONDO:0008147, OMIM 166210.
Osteogenesis imperfecta type III (OI3). Also called: Osteogenesis imperfecta type 3; OI type 3; Osteogenesis imperfecta, progressively deforming with normal sclerae; OI type III; Progressively Deforming Osteogenesis Imperfecta. Identifiers: Orphanet 216812, Orphanet 666, MedGen C0268362, MONDO:0009804, OMIM 259420.
Ehlers-Danlos syndrome, arthrochalasia type, 2. Also called: EHLERS-DANLOS SYNDROME, TYPE VIIB, AUTOSOMAL DOMINANT. Identifiers: MedGen CN293783, MONDO:0040501, OMIM 617821.
Osteogenesis imperfecta with normal sclerae, dominant form (OI4). Also called: OSTEOGENESIS IMPERFECTA WITH NORMAL SCLERAE; Osteogenesis imperfecta type 4; OSTEOGENESIS IMPERFECTA, TYPE IV, WITH DENTINOGENESIS IMPERFECTA; Osteogenesis Imperfecta Type IV; Common Variable Osteogenesis Imperfecta with Normal Sclerae. Identifiers: Orphanet 216820, Orphanet 666, MedGen C0268363, MONDO:0008148, OMIM 166220.
Combined osteogenesis imperfecta and Ehlers-Danlos syndrome 2. Also called: OIEDS SYNDROME 2. Identifiers: MedGen C5436847, MONDO:0030855, OMIM 619120.
Osteoporosis. Identifiers: MedGen C0029456, MONDO:0005298, OMIM 166710, HP:0000939.

Submission:

Juno Genomics, Hangzhou Juno Genomics, Inc
Classification: Uncertain significance for Osteoporosis; Combined osteogenesis imperfecta and Ehlers-Danlos syndrome 2; Ehlers-Danlos syndrome, arthrochalasia type, 2; Ehlers-Danlos syndrome, cardiac valvular type; Osteogenesis imperfecta, perinatal lethal; Osteogenesis imperfecta type III; Osteogenesis imperfecta with normal sclerae, dominant form. Review status: criteria provided, single submitter. Criteria: ACMG Guidelines, 2015. Collection method: clinical testing. Allele origin: germline.
Comment: Absent from controls (or at extremely low frequency if recessive) in Genome Aggregation Database.;Multiple lines of computational evidence support a deleterious effect on the gene or gene product.;Missense variant in a gene that has a low rate of benign missense variation.

NM_000089.4(COL1A2):c.2872G>A (p.Gly958Ser)

Gene: COL1A2 (collagen type I alpha 2 chain; plus strand). Cytogenetic location: 7q21.3.
Variant type: single nucleotide variant.
Coding change: c.2872G>A on transcript NM_000089.4 (MANE Select); coding-DNA position 2872, G replaced by A.
Protein change: p.Gly958Ser; replaces glycine 958 with serine.
Molecular consequence: missense variant.
Genome position (GRCh38, 1-based): chr7:94,425,786, G>A. VCF-style: chr7-94425786-G-A. GRCh37 (hg19) VCF-style: chr7-94055098-G-A.
Other names: short protein forms G958S.
Identifiers: ClinVar variation 5019461 (VCV005019461.2).
Genomic context (GRCh38, chr7:94,425,786, plus strand): 5'-TAAGCTTCATTTTGCCTTTGGTAGGGAGAGCGCGGTTACCCTGGCAATATTGGTCCCGTT[G>A]GTGCTGCAGGTGCACCTGGTCCTCATGGCCCCGTGGGTCCTGCTGGCAAACATGGAAACC-3'
Protein context (NP_000080.2, residues 948-968): RGYPGNIGPV[Gly958Ser]AAGAPGPHGP